The following is an entry in ClinVar:

NM_004958.4(MTOR):c.5346C>T (p.His1782=)

Gene: MTOR (mechanistic target of rapamycin kinase; minus strand). Cytogenetic location: 1p36.22.
Variant type: single nucleotide variant.
Coding change: c.5346C>T on transcript NM_004958.4 (MANE Select); coding-DNA position 5346, C replaced by T.
Protein change: p.His1782=; no amino-acid change (histidine 1782 retained).
Molecular consequence: synonymous variant.
Genome position (GRCh38, 1-based): chr1:11,133,098, G>A on the plus strand (C>T on the coding strand, the complement: MTOR is on the minus strand). VCF-style: chr1-11133098-G-A. GRCh37 (hg19) VCF-style: chr1-11193155-G-A.
Other names: c.5346C>T, p.His1782= (NM_001386500.1); c.4098C>T, p.His1366= (NM_001386501.1).
Identifiers: ClinVar variation 2170171 (VCV002170171.5), dbSNP rs200804619, ClinGen allele CA589371.

ClinVar aggregate classification (germline): Likely benign. Review status: criteria provided, multiple submitters, no conflicts (2 of 4 stars). 2 submissions from 2 submitters: Likely benign (2). Last evaluated 2025-10-14.

Conditions:
MTOR-related disorder. Also called: MTOR-related condition.

Allele frequency attached by ClinVar (database versions not stated): TOPMed below 0.00001; gnomAD 0.00001; ExAC 0.00002; gnomAD exomes 0.00002; ESP Exome Variant Server 0.00008; 1000 Genomes Project 30x 0.00016; 1000 Genomes Project 0.00020.
gnomAD v4.1: 27 of 1,614,054 alleles (0.0017%); highest among the groups gnomAD compares: Middle Eastern, 0.099%; no homozygotes.

Submissions (2):

PreventionGenetics, part of Exact Sciences
Classification: Likely benign for MTOR-related condition. Last evaluated: 2025-10-14. Review status: criteria provided, single submitter. Criteria: ACMG Guidelines, 2015. Collection method: clinical testing. Allele origin: germline.
Comment: This variant is classified as likely benign based on ACMG/AMP sequence variant interpretation guidelines (Richards et al. 2015 PMID: 25741868, with internal and published modifications).

Labcorp Genetics (formerly Invitae), Labcorp
Classification: Likely benign. Last evaluated: 2025-03-11. Review status: criteria provided, single submitter. Criteria: Invitae Variant Classification Sherloc (09022015). Collection method: clinical testing. Allele origin: germline.